The following is an entry in ClinVar:

NM_004006.3(DMD):c.8240C>T (p.Ala2747Val)

Gene: DMD (dystrophin; minus strand). Cytogenetic location: Xp21.1.
Variant type: single nucleotide variant.
Coding change: c.8240C>T on transcript NM_004006.3 (MANE Select); coding-DNA position 8240, C replaced by T.
Protein change: p.Ala2747Val; replaces alanine 2747 with valine.
Molecular consequence: missense variant.
Genome position (GRCh38, 1-based): chrX:31,507,431, G>A on the plus strand (C>T on the coding strand, the complement: DMD is on the minus strand). VCF-style: chrX-31507431-G-A. GRCh37 (hg19) VCF-style: chrX-31525548-G-A.
Other names: c.8216C>T, p.Ala2739Val (NM_000109.4); c.8228C>T, p.Ala2743Val (NM_004009.3); c.7871C>T, p.Ala2624Val (NM_004010.3); c.4217C>T, p.Ala1406Val (NM_004011.4); c.4208C>T, p.Ala1403Val (NM_004012.4); c.860C>T, p.Ala287Val (NM_004013.3, NM_004020.4, NM_004021.3 and 2 more transcripts); c.53C>T, p.Ala18Val (NM_004014.3); short protein forms A2624V, A2739V, A2743V, A2747V, A1403V, A1406V, A18V, A287V.
Identifiers: ClinVar variation 4811977 (VCV004811977.1), dbSNP rs745873218.

ClinVar aggregate classification (germline): Uncertain significance (1 of 4 stars; one submission).

Conditions:
Duchenne muscular dystrophy (DMD). Also called: Duchenne Muscular Dystrophy (DMD); MUSCULAR DYSTROPHY, PSEUDOHYPERTROPHIC PROGRESSIVE, DUCHENNE TYPE. Identifiers: Orphanet 98896, MedGen C0013264, MONDO:0010679, OMIM 310200.

gnomAD v4.1: 2 of 1,207,770 alleles (0.00017%); highest among the groups gnomAD compares: East Asian, 0.003%; no homozygotes.

Submission:

Labcorp Genetics (formerly Invitae), Labcorp
Classification: Uncertain significance for Duchenne muscular dystrophy. Last evaluated: 2026-01-31. Review status: criteria provided, single submitter. Criteria: Invitae Variant Classification Sherloc (09022015). Collection method: clinical testing. Allele origin: germline.
Comment: This sequence change replaces alanine, which is neutral and non-polar, with valine, which is neutral and non-polar, at codon 2747 of the DMD protein (p.Ala2747Val). This variant is not present in population databases (gnomAD no frequency). This variant has not been reported in the literature in individuals affected with DMD-related conditions. Invitae Evidence Modeling of protein sequence and biophysical properties (such as structural, functional, and spatial information, amino acid conservation, physicochemical variation, residue mobility, and thermodynamic stability) indicates that this missense variant is not expected to disrupt DMD protein function with a negative predictive value of 95%. In summary, the available evidence is currently insufficient to determine the role of this variant in disease. Therefore, it has been classified as a Variant of Uncertain Significance.